The following is an entry in ClinVar:

ClinVar aggregate classification (germline): Uncertain significance. Review status: criteria provided, single submitter (1 of 4 stars). 3 submissions from 2 submitters: Uncertain significance (2). 1 of the submissions does not count toward it.

Conditions:
Maturity-onset diabetes of the young (MODY). Also called: Maturity onset diabetes mellitus in young. Identifiers: Orphanet 552, MedGen C0342276, MONDO:0018911, HP:0004904.
Transitory neonatal diabetes mellitus. Also called: Transient neonatal diabetes mellitus. Identifiers: MedGen C0342273, MONDO:0020525, HP:0008255.
Hereditary hyperinsulinism.

Submissions (3):

Clinical Genomics, Uppaluri K&H Personalized Medicine Clinic
Classification: Uncertain significance for Maturity-onset diabetes of the young. Review status: criteria provided, single submitter. Criteria: K & H Uppaluri Personalized Medicine Clinic Variant Classification & Assertion Criteria_Updated V.1. Collection method: research. Allele origin: somatic. Inheritance: Somatic mutation.
Comment: Mutations in ABCC8 gene are associated with both neonatal diabetes mellitus as well as MODY. Patients with this mutation may have a better response to sulfonylureas. However, no sufficient evidence is found to ascertain the role of this particular variant ( rs1953885229) in MODY yet.

Clinical Genomics, Uppaluri K&H Personalized Medicine Clinic
Classification: Uncertain significance for Transitory neonatal diabetes mellitus. Review status: criteria provided, single submitter. Criteria: K & H Uppaluri Personalized Medicine Clinic Variant Classification & Assertion Criteria_Updated V.1. Collection method: research. Allele origin: somatic. Inheritance: Somatic mutation.
Comment: Mutations in ABCC8 gene are associated with both neonatal diabetes mellitus as well as MODY. Patients with this mutation may have a better response to sulfonylureas. However, no sufficient evidence is found to ascertain the role of this particular variant ( rs1953885229 ) in neonatal diabetes yet.

Natera, Inc.
Classification: Uncertain significance for Hereditary hyperinsulinism. Last evaluated: 2020-04-10. Review status: no assertion criteria provided. Collection method: clinical testing. Allele origin: germline. Not counted in ClinVar's aggregate classification.

Literature cited by the submitters: PubMed 16885549 (cited by Clinical Genomics, Uppaluri K&H Personalized Medicine Clinic); PubMed 21989597 (cited by Clinical Genomics, Uppaluri K&H Personalized Medicine Clinic); PubMed 18981553 (cited by Clinical Genomics, Uppaluri K&H Personalized Medicine Clinic); PubMed 27538677 (cited by Clinical Genomics, Uppaluri K&H Personalized Medicine Clinic); PubMed 32027066 (cited by Clinical Genomics, Uppaluri K&H Personalized Medicine Clinic); PubMed 16613899 (cited by Clinical Genomics, Uppaluri K&H Personalized Medicine Clinic); PubMed 18025408 (cited by Clinical Genomics, Uppaluri K&H Personalized Medicine Clinic); PubMed 32792356 (cited by Clinical Genomics, Uppaluri K&H Personalized Medicine Clinic).

NM_000352.6(ABCC8):c.4203C>T (p.His1401=)

Gene: ABCC8 (ATP binding cassette subfamily C member 8; minus strand). Cytogenetic location: 11p15.1.
Variant type: single nucleotide variant.
Coding change: c.4203C>T on transcript NM_000352.6 (MANE Select); coding-DNA position 4203, C replaced by T.
Protein change: p.His1401=; no amino-acid change (histidine 1401 retained).
Molecular consequence: synonymous variant. On other transcripts: non-coding transcript variant (1).
Genome position (GRCh38, 1-based): chr11:17,395,714, G>A on the plus strand (C>T on the coding strand, the complement: ABCC8 is on the minus strand). VCF-style: chr11-17395714-G-A. GRCh37 (hg19) VCF-style: chr11-17417261-G-A.
Other names: c.4206C>T, p.His1402= (NM_001287174.3); c.4269C>T, p.His1423= (NM_001351295.2); c.4203C>T, p.His1401= (NM_001351296.2); c.4200C>T, p.His1400= (NM_001351297.2).
Identifiers: ClinVar variation 989955 (VCV000989955.2), dbSNP rs1953885229, ClinGen allele CA473298273.
Genomic context (GRCh38, chr11:17,395,714, plus strand): 5'-GAGGCGTGAGCGCAGGGTGTGCAGCGGCAGTTTGGCGATGTCAATGCCATCAATGATGAT[G>A]TGCCCTGCATGGGTCCCAGTGAGGGTGCAGGGGAAGGCGGTGACTGCTGGGCCTCCTGTC-3'
Protein context (NP_000343.2, residues 1391-1411): FFRMVDTFEG[His1401=]IIIDGIDIAK